The following is an entry in ClinVar:

NM_002206.3(ITGA7):c.485G>A (p.Arg162His)

Gene: ITGA7 (integrin subunit alpha 7; minus strand). Cytogenetic location: 12q13.2.
Variant type: single nucleotide variant.
Coding change: c.485G>A on transcript NM_002206.3 (MANE Select); coding-DNA position 485, G replaced by A.
Protein change: p.Arg162His; replaces arginine 162 with histidine.
Molecular consequence: missense variant. On other transcripts: 5 prime UTR variant (1).
Genome position (GRCh38, 1-based): chr12:55,701,084, C>T on the plus strand (G>A on the coding strand, the complement: ITGA7 is on the minus strand). VCF-style: chr12-55701084-C-T. GRCh37 (hg19) VCF-style: chr12-56094868-C-T.
Other names: c.485G>A, p.Arg162His (NM_001144996.2, NM_001374465.1, NM_001410977.1 and 5 more transcripts); c.194G>A, p.Arg65His (NM_001144997.2); c.146G>A, p.Arg49His (NM_001367993.1, NM_001414035.1); c.-688G>A (NM_001367994.1); c.485G>A (NM_002206.2); short protein forms R49H, R162H, R65H.
Identifiers: ClinVar variation 1384230 (VCV001384230.7), dbSNP rs781445250, ClinGen allele CA6616294.
Genomic context (GRCh38, chr12:55,701,084, plus strand): 5'-TTCCATTCCCCACCATCCAACTCATCCCGGATGGCCAGGTCCTGGCTGAGCACAAAGCAG[C>T]GACCAATCATATCCCGCGTCTCCAGGATCTGGTCCACTCGCTGCCTTGCCTCATATCGGT-3'
Protein context (NP_002197.2, residues 152-172): QILETRDMIG[Arg162His]CFVLSQDLAI

ClinVar aggregate classification (germline): Uncertain significance. Review status: criteria provided, multiple submitters, no conflicts (2 of 4 stars). 3 submissions from 3 submitters: Uncertain significance (3). Last evaluated 2024-03-28.

Conditions:
Congenital muscular dystrophy due to integrin alpha-7 deficiency. Also called: MYOPATHY, CONGENITAL, DUE TO INTEGRIN ALPHA-7 DEFICIENCY; Congenital muscular dystrophy with integrin alpha-7 deficiency; Muscular dystrophy, congenital, due to ITGA7 deficiency. Identifiers: Orphanet 34520, MedGen C2750786, MONDO:0013177, OMIM 613204.

Allele frequency attached by ClinVar (database versions not stated): gnomAD exomes below 0.00001; ExAC 0.00001; gnomAD 0.00003; TOPMed 0.00005.
gnomAD v4.1: 11 of 1,614,084 alleles (0.00068%); highest among the groups gnomAD compares: African/African-American, 0.0053%; no homozygotes.

Submissions (3):

Ambry Genetics
Classification: Uncertain significance. Last evaluated: 2024-03-28. Review status: criteria provided, single submitter. Criteria: Ambry Variant Classification Scheme 2023. Collection method: clinical testing. Allele origin: germline.

Labcorp Genetics (formerly Invitae), Labcorp
Classification: Uncertain significance for Congenital muscular dystrophy due to integrin alpha-7 deficiency. Last evaluated: 2022-01-11. Review status: criteria provided, single submitter. Criteria: Invitae Variant Classification Sherloc (09022015). Collection method: clinical testing. Allele origin: germline.
Comment: In summary, the available evidence is currently insufficient to determine the role of this variant in disease. Therefore, it has been classified as a Variant of Uncertain Significance. Algorithms developed to predict the effect of missense changes on protein structure and function are either unavailable or do not agree on the potential impact of this missense change (SIFT: "Tolerated"; PolyPhen-2: "Probably Damaging"; Align-GVGD: "Class C0"). This variant has not been reported in the literature in individuals affected with ITGA7-related conditions. This variant is present in population databases (rs781445250, gnomAD 0.004%). This sequence change replaces arginine, which is basic and polar, with histidine, which is basic and polar, at codon 162 of the ITGA7 protein (p.Arg162His).

Revvity Omics, Revvity
Classification: Uncertain significance for Congenital muscular dystrophy due to integrin alpha-7 deficiency. Last evaluated: 2019-08-27. Review status: criteria provided, single submitter. Criteria: ACMG Guidelines, 2015. Collection method: clinical testing. Allele origin: germline.